The following is an entry in ClinVar:

NM_000176.3(NR3C1):c.1361A>G (p.Asn454Ser)

Gene: NR3C1 (nuclear receptor subfamily 3 group C member 1; minus strand). Cytogenetic location: 5q31.3.
Variant type: single nucleotide variant.
Coding change: c.1361A>G on transcript NM_000176.3 (MANE Select); coding-DNA position 1361, A replaced by G.
Protein change: p.Asn454Ser; replaces asparagine 454 with serine.
Molecular consequence: missense variant. On other transcripts: non-coding transcript variant (1).
Genome position (GRCh38, 1-based): chr5:143,310,204, T>C on the plus strand (A>G on the coding strand, the complement: NR3C1 is on the minus strand). VCF-style: chr5-143310204-T-C. GRCh37 (hg19) VCF-style: chr5-142689769-T-C.
Other names: c.1361A>G, p.Asn454Ser (NM_001018074.1, NM_001018075.1, NM_001018076.2 and 6 more transcripts); c.1364A>G, p.Asn455Ser (NM_001024094.2, NM_001364183.2, NM_001364184.2 and 1 more transcripts); c.1283A>G, p.Asn428Ser (NM_001204258.2); c.1106A>G, p.Asn369Ser (NM_001204259.2); c.1094A>G, p.Asn365Ser (NM_001204260.2); c.1070A>G, p.Asn357Ser (NM_001204261.2); c.416A>G, p.Asn139Ser (NM_001204262.2); c.371A>G, p.Asn124Ser (NM_001204263.2); and 1 more; short protein forms N119S, N357S, N369S, N428S, N139S, N124S, N365S, N454S.
Identifiers: ClinVar variation 1476724 (VCV001476724.6), dbSNP rs531660170, ClinGen allele CA3486878.

ClinVar aggregate classification (germline): Uncertain significance (1 of 4 stars; one submission).

Allele frequency attached by ClinVar (database versions not stated): ExAC 0.00001; gnomAD exomes 0.00002; TOPMed 0.00002; gnomAD 0.00005.
gnomAD v4.1: 45 of 1,610,102 alleles (0.0028%); highest among the groups gnomAD compares: African/African-American, 0.016%; no homozygotes.

Submission:

Labcorp Genetics (formerly Invitae), Labcorp
Classification: Uncertain significance. Last evaluated: 2023-04-26. Review status: criteria provided, single submitter. Criteria: Invitae Variant Classification Sherloc (09022015). Collection method: clinical testing. Allele origin: germline.
Comment: In summary, the available evidence is currently insufficient to determine the role of this variant in disease. Therefore, it has been classified as a Variant of Uncertain Significance. An algorithm developed to predict the effect of missense changes on protein structure and function (PolyPhen-2) suggests that this variant is likely to be disruptive. ClinVar contains an entry for this variant (Variation ID: 1476724). This variant has not been reported in the literature in individuals affected with NR3C1-related conditions. This variant is present in population databases (rs531660170, gnomAD 0.006%). This sequence change replaces asparagine, which is neutral and polar, with serine, which is neutral and polar, at codon 454 of the NR3C1 protein (p.Asn454Ser).